The following is an entry in ClinVar:

NM_213655.5(WNK1):c.2739_2740del (p.Tyr913_Ser914delinsTer)

Gene: WNK1 (WNK lysine deficient protein kinase 1; plus strand). Cytogenetic location: 12p13.33.
Variant type: Deletion.
Coding change: c.2739_2740del on transcript NM_213655.5 (MANE Plus Clinical); coding-DNA positions 2739 to 2740, 2 bases deleted (CA; older notation c.2739_2740delCA).
Protein change: p.Tyr913_Ser914delinsTer.
Molecular consequence: nonsense. On other transcripts: intron variant (2).
Genome position (GRCh38, 1-based): chr12:868,210-868,211, CA deleted; deleting any 2 consecutive bases within chr12:868,209-868,211 gives the same sequence; the c. name uses the placement nearest the transcript's 3' end. VCF-style (leftmost placement, unchanged base first): chr12-868208-TAC-T. GRCh37 (hg19) VCF-style: chr12-977374-TAC-T.
Other names: c.2484_2485del, p.Tyr828_Ser829delinsTer (NM_001184985.2); c.2140-3055_2140-3054del (NM_018979.4, NM_014823.3).
Identifiers: ClinVar variation 2936837 (VCV002936837.3), dbSNP rs2548787593, ClinGen allele CA2575040880.
Genomic context (GRCh38, chr12:868,208, plus strand): 5'-AGAGTAACTGGAGAGTCATGTGAGATACAGGTCCATCCTATGTTTGAACCATCTCAAGTT[TAC>T]AGTGACTATAGACCTGGACTAGTACTTCCAGAAGAAGCTCACTATTTTATTCCTCAGGAA-3'

ClinVar aggregate classification (germline): Pathogenic (1 of 4 stars; one submission).

Conditions:
Neuropathy, hereditary sensory and autonomic, type 2A (HSAN2A). Also called: ACROOSTEOLYSIS, GIACCAI TYPE; ACROOSTEOLYSIS, NEUROGENIC; MORVAN DISEASE; NEUROPATHY, CONGENITAL SENSORY; NEUROPATHY, HEREDITARY SENSORY RADICULAR, AUTOSOMAL RECESSIVE; NEUROPATHY, HEREDITARY SENSORY, TYPE IIA. Identifiers: Orphanet 970, MedGen C2752089, MONDO:0024309, OMIM 201300.
Pseudohypoaldosteronism type 2C (PHA2C). Also called: Pseudohypoaldosteronism Type IIC. Identifiers: Orphanet 757, Orphanet 88940, MedGen C1840391, MONDO:0013778, OMIM 614492.

Submission:

Labcorp Genetics (formerly Invitae), Labcorp
Classification: Pathogenic for Neuropathy, hereditary sensory and autonomic, type 2A; Pseudohypoaldosteronism type 2C. Last evaluated: 2023-06-23. Review status: criteria provided, single submitter. Criteria: Invitae Variant Classification Sherloc (09022015). Collection method: clinical testing. Allele origin: germline.
Comment: For these reasons, this variant has been classified as Pathogenic. This variant has not been reported in the literature in individuals affected with WNK1-related conditions. This variant is not present in population databases (gnomAD no frequency). This sequence change creates a premature translational stop signal (p.Tyr913*) in the WNK1 gene. It is expected to result in an absent or disrupted protein product. Loss-of-function variants in WNK1 are known to be pathogenic (PMID: 22910560).

Literature cited by the submitters: PubMed 22910560.